The following is an entry in ClinVar:

NM_000266.4(NDP):c.15A>G (p.Val5=)

Genes: NDP (norrin cystine knot growth factor NDP; minus strand), NDP-AS1 (NDP antisense RNA 1; plus strand). Cytogenetic location: Xp11.3.
Variant type: single nucleotide variant.
Coding change: c.15A>G on transcript NM_000266.4 (MANE Select); coding-DNA position 15, A replaced by G.
Protein change: p.Val5=; no amino-acid change (valine 5 retained).
Molecular consequence: synonymous variant.
Genome position (GRCh38, 1-based): chrX:43,958,631, T>C on the plus strand (A>G on the coding strand, the complement: NDP is on the minus strand). VCF-style: chrX-43958631-T-C. GRCh37 (hg19) VCF-style: chrX-43817877-T-C.
Identifiers: ClinVar variation 707005 (VCV000707005.6), dbSNP rs1396654531, ClinGen allele CA516142425.

ClinVar aggregate classification (germline): Likely benign. Review status: criteria provided, multiple submitters, no conflicts (2 of 4 stars). 2 submissions from 2 submitters: Likely benign (2). Last evaluated 2024-09-27.

Allele frequency attached by ClinVar (database versions not stated): gnomAD 0.00001; gnomAD exomes 0.00001; TOPMed 0.00001.
gnomAD v4.1: 15 of 1,209,904 alleles (0.0012%); highest among the groups gnomAD compares: Non-Finnish European, 0.0016%; no homozygotes.

Submissions (2):

Women's Health and Genetics/Laboratory Corporation of America, LabCorp
Classification: Likely benign. Last evaluated: 2024-09-27. Review status: criteria provided, single submitter. Criteria: LabCorp Variant Classification Summary - May 2015. Collection method: clinical testing. Allele origin: germline.
Comment: Variant summary: NDP c.15A>G alters a conserved nucleotide resulting in a synonymous change. Consensus agreement among computation tools predict no significant impact on normal splicing. However, these predictions have yet to be confirmed by functional studies. The variant was absent in 183102 control chromosomes. The available data on variant occurrences in the general population are insufficient to allow any conclusion about variant significance. To our knowledge, no occurrence of c.15A>G in individuals affected with Atrophia bulborum hereditaria and no experimental evidence demonstrating its impact on protein function have been reported. ClinVar contains an entry for this variant (Variation ID: 707005). Based on the evidence outlined above, the variant was classified as likely benign.

Labcorp Genetics (formerly Invitae), Labcorp
Classification: Likely benign. Last evaluated: 2024-05-20. Review status: criteria provided, single submitter. Criteria: Invitae Variant Classification Sherloc (09022015). Collection method: clinical testing. Allele origin: germline.